The following is an entry in ClinVar:

ClinVar aggregate classification (germline): Uncertain significance (1 of 4 stars; one submission).

Conditions:
Hereditary spastic paraplegia 4. Also called: Spastic paraplegia 4, autosomal dominant; Familial spastic paraplegia autosomal dominant 2; Spastic Paraplegia 4. Identifiers: Orphanet 100985, MedGen C1866855, MONDO:0008438, OMIM 182601.

Submission:

Labcorp Genetics (formerly Invitae), Labcorp
Classification: Uncertain significance for Hereditary spastic paraplegia 4. Last evaluated: 2023-03-29. Review status: criteria provided, single submitter. Criteria: Invitae Variant Classification Sherloc (09022015). Collection method: clinical testing. Allele origin: germline.
Comment: In summary, the available evidence is currently insufficient to determine the role of this variant in disease. Therefore, it has been classified as a Variant of Uncertain Significance. Experimental studies and prediction algorithms are not available or were not evaluated, and the functional significance of this variant is currently unknown. This variant has not been reported in the literature in individuals affected with SPAST-related conditions. This variant results in a copy number gain of the genomic region encompassing exon(s) 1-12 of the SPAST gene. This region includes the initiator codon of the gene. This copy number gain extends beyond the assayed region for this gene and therefore may encompass additional genes. As the precise location of this event is unknown, it may be in tandem or it may be located elsewhere in the genome.

NC_000002.11:g.(?_32288901)_(32362277_?)dup

Gene: SPAST (spastin; plus strand). Cytogenetic location: 2p22.3.
Variant type: Duplication.
Identifiers: ClinVar variation 1375712 (VCV001375712.5).